The following is an entry in ClinVar:

ClinVar aggregate classification (germline): Uncertain significance (1 of 4 stars; one submission).

Submission:

Women's Health and Genetics/Laboratory Corporation of America, LabCorp
Classification: Uncertain significance. Last evaluated: 2025-07-28. Review status: criteria provided, single submitter. Criteria: LabCorp Variant Classification Summary - May 2015. Collection method: clinical testing. Allele origin: germline.
Comment: Variant summary: BMPR2 c.1834A>G (p.Thr612Ala) results in a non-conservative amino acid change in the encoded protein sequence. Algorithms developed to predict the effect of missense changes on protein structure and function are either unavailable or do not agree on the potential impact of this missense change. The variant was absent in 250668 control chromosomes. The available data on variant occurrences in the general population are insufficient to allow any conclusion about variant significance. To our knowledge, no occurrence of c.1834A>G in individuals affected with BMPR2-Related Disorders and no experimental evidence demonstrating its impact on protein function have been reported. No submitters have cited clinical-significance assessments for this variant to ClinVar. Based on the evidence outlined above, the variant was classified as uncertain significance.

NM_001204.7(BMPR2):c.1834A>G (p.Thr612Ala)

Gene: BMPR2 (bone morphogenetic protein receptor type 2; plus strand). Cytogenetic location: 2q33.2.
Variant type: single nucleotide variant.
Coding change: c.1834A>G on transcript NM_001204.7 (MANE Select); coding-DNA position 1834, A replaced by G.
Protein change: p.Thr612Ala; replaces threonine 612 with alanine.
Molecular consequence: missense variant.
Genome position (GRCh38, 1-based): chr2:202,555,499, A>G. VCF-style: chr2-202555499-A-G. GRCh37 (hg19) VCF-style: chr2-203420222-A-G.
Other names: short protein forms T612A.
Identifiers: ClinVar variation 4526190 (VCV004526190.1).
Genomic context (GRCh38, chr2:202,555,499, plus strand): 5'-CAGCAAGCACAAGCTCGAATCCCCAGCCCTGAAACAAGTGTCACCAGCCTCTCCACCAAC[A>G]CAACAACCACAAACACCACAGGACTCACGCCAAGTACTGGCATGACTACTATATCTGAGA-3'
Protein context (NP_001195.2, residues 602-622): ETSVTSLSTN[Thr612Ala]TTTNTTGLTP